The following is an entry in ClinVar:

ClinVar aggregate classification (germline): Uncertain significance. Review status: criteria provided, multiple submitters, no conflicts (2 of 4 stars). 4 submissions from 4 submitters: Uncertain significance (2). 2 of the submissions do not count toward it. Last evaluated 2023-12-13.

Conditions:
Muscular dystrophy-dystroglycanopathy type B6 (MDDGB6). Also called: MUSCULAR DYSTROPHY-DYSTROGLYCANOPATHY (CONGENITAL WITH IMPAIRED INTELLECTUAL DEVELOPMENT), TYPE B, 6; MUSCULAR DYSTROPHY, CONGENITAL, LARGE-RELATED; MUSCULAR DYSTROPHY, CONGENITAL, TYPE 1D. Identifiers: MedGen C1837229, MONDO:0012138, OMIM 608840.

Allele frequency attached by ClinVar (database versions not stated): gnomAD exomes 0.00001; ExAC 0.00002; TOPMed 0.00002; gnomAD 0.00003; ESP Exome Variant Server 0.00008.
gnomAD v4.1: 36 of 1,613,004 alleles (0.0022%); highest among the groups gnomAD compares: East Asian, 0.0067%; no homozygotes.

Submissions (4):

GeneDx
Classification: Uncertain significance. Last evaluated: 2023-12-13. Review status: criteria provided, single submitter. Criteria: GeneDx Variant Classification Process June 2021. Collection method: clinical testing. Allele origin: germline. Affected: yes.
Comment: Not observed at significant frequency in large population cohorts (gnomAD); In silico analysis supports that this missense variant does not alter protein structure/function; Has not been previously published as pathogenic or benign to our knowledge; This variant is associated with the following publications: (PMID: 24709677, 25279699)

Labcorp Genetics (formerly Invitae), Labcorp
Classification: Uncertain significance for Muscular dystrophy-dystroglycanopathy type B6. Last evaluated: 2022-05-04. Review status: criteria provided, single submitter. Criteria: Invitae Variant Classification Sherloc (09022015). Collection method: clinical testing. Allele origin: germline.
Comment: This sequence change replaces arginine, which is basic and polar, with glutamine, which is neutral and polar, at codon 89 of the LARGE1 protein (p.Arg89Gln). This variant is present in population databases (rs142272515, gnomAD 0.002%). This variant has not been reported in the literature in individuals affected with LARGE1-related conditions. ClinVar contains an entry for this variant (Variation ID: 464475). Algorithms developed to predict the effect of missense changes on protein structure and function output the following: SIFT: "Tolerated"; PolyPhen-2: "Benign"; Align-GVGD: "Class C0". The glutamine amino acid residue is found in multiple mammalian species, which suggests that this missense change does not adversely affect protein function. In summary, the available evidence is currently insufficient to determine the role of this variant in disease. Therefore, it has been classified as a Variant of Uncertain Significance.

Clinical Genetics DNA and cytogenetics Diagnostics Lab, Erasmus MC, Erasmus Medical Center
Classification: Likely benign. Review status: no assertion criteria provided. Collection method: clinical testing. Allele origin: germline. Affected: yes. Study: VKGL Data-share Consensus. Not counted in ClinVar's aggregate classification.

Laboratory of Diagnostic Genome Analysis, Leiden University Medical Center (LUMC)
Classification: Likely benign. Review status: no assertion criteria provided. Collection method: clinical testing. Allele origin: germline. Affected: yes. Study: VKGL Data-share Consensus. Not counted in ClinVar's aggregate classification.

NM_133642.5(LARGE1):c.266G>A (p.Arg89Gln)

Gene: LARGE1 (LARGE xylosyl- and glucuronyltransferase 1; minus strand). Cytogenetic location: 22q12.3.
Variant type: single nucleotide variant.
Coding change: c.266G>A on transcript NM_133642.5 (MANE Select); coding-DNA position 266, G replaced by A.
Protein change: p.Arg89Gln; replaces arginine 89 with glutamine.
Molecular consequence: missense variant.
Genome position (GRCh38, 1-based): chr22:33,650,509, C>T on the plus strand (G>A on the coding strand, the complement: LARGE1 is on the minus strand). VCF-style: chr22-33650509-C-T. GRCh37 (hg19) VCF-style: chr22-34046495-C-T.
Other names: c.266G>A, p.Arg89Gln (NM_001362949.2, NM_001362951.2, NM_001362953.2 and 7 more transcripts); short protein forms R89Q.
Identifiers: ClinVar variation 464475 (VCV000464475.11), dbSNP rs142272515, ClinGen allele CA10203103.